The following is an entry in ClinVar:

ClinVar aggregate classification (germline): Uncertain significance. Review status: criteria provided, multiple submitters, no conflicts (2 of 4 stars). 2 submissions from 2 submitters: Uncertain significance (2). Last evaluated 2026-06-01.

Conditions:
Inborn genetic diseases. Identifiers: MedGen C0950123, MeSH D030342.

gnomAD v4.1: 2 of 1,614,196 alleles (0.00012%); highest among the groups gnomAD compares: Admixed American, 0.0033%; no homozygotes.

Submissions (2):

CeGaT Center for Human Genetics Tuebingen
Classification: Uncertain significance. Last evaluated: 2026-06-01. Review status: criteria provided, single submitter. Criteria: CeGaT Center For Human Genetics Tuebingen Variant Classification Criteria Version 2. Collection method: clinical testing. Allele origin: germline. Affected: yes. Observed: 1 variant allele.
Comment: COG8: PM2

Ambry Genetics
Classification: Uncertain significance for Inborn genetic diseases. Last evaluated: 2024-12-06. Review status: criteria provided, single submitter. Criteria: Ambry Variant Classification Scheme 2023. Collection method: clinical testing. Allele origin: germline.
Comment: The c.933G>C (p.E311D) alteration is located in exon 3 (coding exon 3) of the COG8 gene. This alteration results from a G to C substitution at nucleotide position 933, causing the glutamic acid (E) at amino acid position 311 to be replaced by an aspartic acid (D). The p.E311D alteration is predicted to be tolerated by in silico analysis. Based on insufficient or conflicting evidence, the clinical significance of this alteration remains unclear.

NM_032382.5(COG8):c.933G>C (p.Glu311Asp)

Gene: COG8 (component of oligomeric golgi complex 8; minus strand). Cytogenetic location: 16q22.1.
Variant type: single nucleotide variant.
Coding change: c.933G>C on transcript NM_032382.5 (MANE Select); coding-DNA position 933, G replaced by C.
Protein change: p.Glu311Asp; replaces glutamic acid 311 with aspartic acid.
Molecular consequence: missense variant.
Genome position (GRCh38, 1-based): chr16:69,335,001, C>G on the plus strand (G>C on the coding strand, the complement: COG8 is on the minus strand). VCF-style: chr16-69335001-C-G. GRCh37 (hg19) VCF-style: chr16-69368904-C-G.
Other names: c.933G>C, p.Glu311Asp (NM_001374871.1, NM_001379261.1, NM_001379262.1 and 4 more transcripts); short protein forms E311D.
Identifiers: ClinVar variation 3494997 (VCV003494997.3).
Genomic context (GRCh38, chr16:69,335,001, plus strand): 5'-CTCCAGCACCTGCAGGAATTGTGAGACCTTCTGTAGCACCCAGCCATGGAAGATGGCACT[C>G]TCATTCACAGTGTGCTCACCCATGGCAGGGGGCAGCAGTGGGTCCTCGTCTGAGAAGATG-3'
Protein context (NP_115758.3, residues 301-321): PPAMGEHTVN[Glu311Asp]SAIFHGWVLQ